The following is an entry in ClinVar:

NM_000404.4(GLB1):c.1471G>T (p.Asp491Tyr)

Gene: GLB1 (galactosidase beta 1; minus strand). Cytogenetic location: 3p22.3.
Variant type: single nucleotide variant.
Coding change: c.1471G>T on transcript NM_000404.4 (MANE Select); coding-DNA position 1471, G replaced by T.
Protein change: p.Asp491Tyr; replaces aspartic acid 491 with tyrosine.
Molecular consequence: missense variant.
Genome position (GRCh38, 1-based): chr3:33,016,717, C>A on the plus strand (G>T on the coding strand, the complement: GLB1 is on the minus strand). VCF-style: chr3-33016717-C-A. GRCh37 (hg19) VCF-style: chr3-33058209-C-A.
Other names: c.1078G>T, p.Asp360Tyr (NM_001135602.3); c.1615G>T, p.Asp539Tyr (NM_001317040.2); c.1471G>T, p.Asp491Tyr (NM_001393580.1); c.1381G>T, p.Asp461Tyr (NM_001079811.3); short protein forms D360Y, D461Y, D491Y, D539Y.
Identifiers: ClinVar variation 3339727 (VCV003339727.2).

ClinVar aggregate classification (germline): Likely pathogenic. Review status: criteria provided, multiple submitters, no conflicts (2 of 4 stars). 2 submissions from 2 submitters: Likely pathogenic (2). Last evaluated 2024-06-07.

Conditions:
GM1 gangliosidosis. Identifiers: Orphanet 354, MedGen C0085131, MONDO:0018149.
Infantile GM1 gangliosidosis. Also called: Gangliosidosis, Generalized GM1, Type 1; GM1-gangliosidosis, type I; Gangliosidosis, generalized GM1, infantile form; GLB1 deficiency; GM1 gangliosidosis type 1. Identifiers: Orphanet 354, Orphanet 79255, MedGen C0268271, MONDO:0009260, OMIM 230500.
GM1 gangliosidosis type 2. Also called: GM1-GANGLIOSIDOSIS, TYPE II; GANGLIOSIDOSIS, GENERALIZED GM1, JUVENILE TYPE; GANGLIOSIDOSIS, GENERALIZED GM1, TYPE II; Gangliosidosis, Generalized GM1, Type 2; Juvenile GM>1< gangliosidosis. Identifiers: Orphanet 354, Orphanet 79256, MedGen C0268272, MONDO:0009261, OMIM 230600.
Mucopolysaccharidosis, MPS-IV-B (MPS4B). Also called: MORQUIO SYNDROME B; Mucopolysaccharidosis type IV B; Mucopolysaccharidosis Type IVB; Mucopolysaccharidosis type 4B; Mucopolysaccharidosis type IVB (Morquio); MPS IVB. Identifiers: Orphanet 309310, Orphanet 582, MedGen C0086652, MONDO:0009660, OMIM 253010.
GM1 gangliosidosis type 3. Also called: GM1-GANGLIOSIDOSIS, TYPE III; GANGLIOSIDOSIS, GENERALIZED GM1, ADULT TYPE; GANGLIOSIDOSIS, GENERALIZED GM1, CHRONIC TYPE; GANGLIOSIDOSIS, GENERALIZED GM1, TYPE III; Gangliosidosis, Generalized GM1, Type 3; Beta-galactosidase deficiency. Identifiers: Orphanet 79257, MedGen C0268273, MONDO:0009262, OMIM 230650.

Submissions (2):

Fulgent Genetics
Classification: Likely pathogenic for Infantile GM1 gangliosidosis; GM1 gangliosidosis type 2; GM1 gangliosidosis type 3; Mucopolysaccharidosis, MPS-IV-B. Last evaluated: 2024-06-07. Review status: criteria provided, single submitter. Criteria: ACMG Guidelines, 2015. Collection method: clinical testing. Allele origin: germline.

Women's Health and Genetics/Laboratory Corporation of America, LabCorp
Classification: Likely pathogenic for GM1 gangliosidosis. Last evaluated: 2024-06-06. Review status: criteria provided, single submitter. Criteria: LabCorp Variant Classification Summary - May 2015. Collection method: clinical testing. Allele origin: germline.
Comment: Variant summary: GLB1 c.1471G>T (p.Asp491Tyr) results in a non-conservative amino acid change located in the Beta-galactosidase 1-like , first all-beta domain (IPR048912) of the encoded protein sequence. Five of five in-silico tools predict a damaging effect of the variant on protein function. The variant was absent in 249580 control chromosomes. c.1471G>T has been reported in the literature in compound heterozygous individuals affected with GM1 Gangliosidosis (Santamaria_2007, Arash-Kaps_2019). These data indicate that the variant is likely to be associated with disease. At least one publication reports experimental evidence evaluating an impact on protein function. The most pronounced variant effect results in reduced beta-galactosidase activity in transfected COS-7 cells (Takai_2013). The following publications have been ascertained in the context of this evaluation (PMID: 31761138, 17309651, 23337983). No submitters have cited clinical-significance assessments for this variant to ClinVar. Based on the evidence outlined above, the variant was classified as likely pathogenic.

Literature cited by the submitters: PubMed 17309651 (cited by Women's Health and Genetics/Laboratory Corporation of America, LabCorp); PubMed 31761138 (cited by Women's Health and Genetics/Laboratory Corporation of America, LabCorp); PubMed 23337983 (cited by Women's Health and Genetics/Laboratory Corporation of America, LabCorp).